The following is an entry in ClinVar:

ClinVar aggregate classification (germline): Pathogenic (1 of 4 stars; one submission).

Conditions:
Familial thoracic aortic aneurysm and aortic dissection (TAAD). Also called: Thoracic aortic aneurysms and dissections. Identifiers: Orphanet 91387, MedGen C4707243, MONDO:0019625.
Marfan syndrome (MFS). Also called: FBN1-Related Marfan Syndrome; Marfan syndrome type 1; Marfan's syndrome; Marfan syndrome, classic; MARFAN SYNDROME, TYPE I. Identifiers: Orphanet 284963, Orphanet 558, MedGen C0024796, MONDO:0007947, OMIM 154700.

Submission:

Labcorp Genetics (formerly Invitae), Labcorp
Classification: Pathogenic for Marfan syndrome; Familial thoracic aortic aneurysm and aortic dissection. Last evaluated: 2025-01-15. Review status: criteria provided, single submitter. Criteria: Invitae Variant Classification Sherloc (09022015). Collection method: clinical testing. Allele origin: germline.
Comment: This sequence change affects an acceptor splice site in intron 54 of the FBN1 gene. It is expected to disrupt RNA splicing. Variants that disrupt the donor or acceptor splice site typically lead to a loss of protein function (PMID: 16199547), and loss-of-function variants in FBN1 are known to be pathogenic (PMID: 17657824, 19293843). This variant is not present in population databases (gnomAD no frequency). Disruption of this splice site has been observed in individuals with Marfan syndrome (PMID: 27906200; internal data). ClinVar contains an entry for this variant (Variation ID: 639352). Algorithms developed to predict the effect of sequence changes on RNA splicing suggest that this variant may disrupt the consensus splice site. For these reasons, this variant has been classified as Pathogenic.

Literature cited by the submitters: PubMed 16199547; PubMed 17657824; PubMed 19293843; PubMed 27906200.

NM_000138.5(FBN1):c.6617-2A>C

Gene: FBN1 (fibrillin 1; minus strand). Cytogenetic location: 15q21.1.
Variant type: single nucleotide variant.
Coding change: c.6617-2A>C on transcript NM_000138.5 (MANE Select); the canonical splice acceptor site of the intron before coding-DNA position 6617, A replaced by C.
Molecular consequence: splice acceptor variant.
Genome position (GRCh38, 1-based): chr15:48,432,990, T>G on the plus strand (A>C on the coding strand, the complement: FBN1 is on the minus strand). VCF-style: chr15-48432990-T-G. GRCh37 (hg19) VCF-style: chr15-48725187-T-G.
Other names: c.6617-2A>C (NM_001406716.1).
Identifiers: ClinVar variation 639352 (VCV000639352.7), dbSNP rs1597522588, ClinGen allele CA392333762.
Genomic context (GRCh38, chr15:48,432,990, plus strand): 5'-ATAAGTGTTCACACATCGGAAGGCACAGAGCAGAGGATTCTGGGCACATTCATTTATATC[T>G]GCAGCAGAGGAGAGTAAGTAAATAAGGGATCATGGACAGCAACAAAAGGGAACCTACCAA-3'